The following is an entry in ClinVar:

ClinVar aggregate classification (germline): Pathogenic (1 of 4 stars; one submission).

Conditions:
Odonto-onycho-dermal dysplasia. Identifiers: Orphanet 2721, MedGen C0796093, MONDO:0009773, OMIM 257980.
Tooth agenesis, selective, 4 (STHAG4). Also called: TOOTH AGENESIS, SELECTIVE, 4, WITH OR WITHOUT ECTODERMAL DYSPLASIA; LATERAL INCISORS, ABSENCE OF; LATERAL INCISORS, PEGGED OR MISSING; SUCCEDANEOUS TEETH, AGENESIS OF. Identifiers: Orphanet 99798, MedGen C1835492, MONDO:0007881, OMIM 150400. Disease mechanism: loss of function.

Submission:

Labcorp Genetics (formerly Invitae), Labcorp
Classification: Pathogenic for Tooth agenesis, selective, 4; Odonto-onycho-dermal dysplasia. Last evaluated: 2020-05-19. Review status: criteria provided, single submitter. Criteria: Invitae Variant Classification Sherloc (09022015). Collection method: clinical testing. Allele origin: germline.
Comment: For these reasons, this variant has been classified as Pathogenic. This variant disrupts the C-terminus of the WNT10A protein. Other variant(s) that disrupt this region (p.Glu390*) have been determined to be pathogenic (PMID: 24902757). This suggests that variants that disrupt this region of the protein are likely to be causative of disease. This variant has not been reported in the literature in individuals with WNT10A-related conditions. This variant is not present in population databases (ExAC no frequency). This sequence change results in a premature translational stop signal in the WNT10A gene (p.Ser332Alafs*106). While this is not anticipated to result in nonsense mediated decay, it is expected to disrupt the last 86 amino acids of the WNT10A protein and extend the protein by an additional 19 amino acids.

Literature cited by the submitters: PubMed 24902757.

NM_025216.3(WNT10A):c.993del (p.Ser332fs)

Gene: WNT10A (Wnt family member 10A; plus strand). Cytogenetic location: 2q35.
Variant type: Deletion.
Coding change: c.993del on transcript NM_025216.3 (MANE Select); coding-DNA position 993, one base deleted (C; older notation c.993delC).
Protein change: p.Ser332fs; shifts the reading frame from serine 332.
Molecular consequence: frameshift variant.
Genome position (GRCh38, 1-based): chr2:218,893,010, C deleted; the last of 2 consecutive C bases (chr2:218,893,009-218,893,010); deleting either gives the same sequence. VCF-style (leftmost placement, unchanged base first): chr2-218893008-GC-G. GRCh37 (hg19) VCF-style: chr2-219757730-GC-G.
Other names: short protein forms S332fs.
Identifiers: ClinVar variation 1074605 (VCV001074605.9), dbSNP rs2106018559, ClinGen allele CA2499215671.